The following is an entry in ClinVar:

NM_000208.4(INSR):c.2838C>G (p.Asp946Glu)

Gene: INSR (insulin receptor; minus strand). Cytogenetic location: 19p13.2.
Variant type: single nucleotide variant.
Coding change: c.2838C>G on transcript NM_000208.4 (MANE Select); coding-DNA position 2838, C replaced by G.
Protein change: p.Asp946Glu; replaces aspartic acid 946 with glutamic acid.
Molecular consequence: missense variant.
Genome position (GRCh38, 1-based): chr19:7,132,162, G>C on the plus strand (C>G on the coding strand, the complement: INSR is on the minus strand). VCF-style: chr19-7132162-G-C. GRCh37 (hg19) VCF-style: chr19-7132173-G-C.
Other names: c.2802C>G, p.Asp934Glu (NM_001079817.3); short protein forms D946E, D934E.
Identifiers: ClinVar variation 211195 (VCV000211195.43), dbSNP rs146588336, ClinGen allele CA208959.
Genomic context (GRCh38, chr19:7,132,162, plus strand): 5'-ACCATGCTCAGTGCTAAGCACAGCCCCAGTCAGCTGAGGCTGCCATGGAGACTTACAATA[G>C]TCTGTCACGTAGAAATAGGTGGGTTCCGTCCAAGAGCCGTTGCCCGCAAGGGAGGTGGCC-3'
Protein context (NP_000199.2, residues 936-956): WTEPTYFYVT[Asp946Glu]YLDVPSNIAK

ClinVar aggregate classification (germline): Conflicting classifications of pathogenicity. Review status: criteria provided, conflicting classifications (1 of 4 stars). 11 submissions from 9 submitters: Uncertain significance (4); Likely benign (6). 1 of the submissions does not count toward it. Last evaluated 2025-10-01.

Conditions:
INSR-related disorder.
Leprechaunism syndrome. Also called: LEPRECHAUNISM; Donohue syndrome. Identifiers: Orphanet 508, MedGen C0265344, MONDO:0009517, OMIM 246200.
Rabson-Mendenhall syndrome. Also called: MENDENHALL SYNDROME; Pineal Hyperplasia, Insulin-Resistant Diabetes Mellitus, and Somatic Abnormalities; Pineal hyperplasia AND diabetes mellitus syndrome. Identifiers: Orphanet 769, MedGen C0271695, MONDO:0009874, OMIM 262190.
Hyperinsulinism due to INSR deficiency. Also called: Hyperinsulinism due to glutamodehydrogenase deficiency. Identifiers: Orphanet 263458, MedGen C1864952, MONDO:0012381, OMIM 609968.
Insulin-resistant diabetes mellitus AND acanthosis nigricans. Also called: DIABETES MELLITUS, INSULIN-RESISTANT, WITH ACANTHOSIS NIGRICANS, TYPE A; INSULIN RECEPTOR, DEFECT IN, WITH INSULIN-RESISTANT DIABETES MELLITUS AND ACANTHOSIS NIGRICANS; IRAN, TYPE A; type A insulin resistance; Insulin-resistance syndrome type A. Identifiers: Orphanet 2297, MedGen C0342278, MONDO:0012520, OMIM 610549.
Monogenic diabetes. Identifiers: Orphanet 183625, MedGen C3888631, MONDO:0015967.

Allele frequency attached by ClinVar (database versions not stated): 1000 Genomes Project 0.00040; 1000 Genomes Project 30x 0.00047; ExAC 0.00122; gnomAD exomes 0.00133 and 0.00255; TOPMed 0.00138; gnomAD 0.00141 and 0.00145; ESP Exome Variant Server 0.00208.
gnomAD v4.1: 3,878 of 1,614,122 alleles (0.24%); highest among the groups gnomAD compares: Non-Finnish European, 0.31%; 6 homozygotes.

Submissions (11):

Labcorp Genetics (formerly Invitae), Labcorp
Classification: Likely benign. Last evaluated: 2025-10-01. Review status: criteria provided, single submitter. Criteria: Invitae Variant Classification Sherloc (09022015). Collection method: clinical testing. Allele origin: germline.

CeGaT Center for Human Genetics Tuebingen
Classification: Likely benign. Last evaluated: 2025-05-01. Review status: criteria provided, single submitter. Criteria: CeGaT Center For Human Genetics Tuebingen Variant Classification Criteria Version 2. Collection method: clinical testing. Allele origin: germline. Affected: yes. Observed: 2 variant alleles.
Comment: INSR: BP4, BS2

Blueprint Genetics
Classification: Likely benign. Last evaluated: 2024-10-31. Review status: criteria provided, single submitter. Criteria: ACMG Guidelines, 2015. Collection method: clinical testing. Allele origin: germline.

Department of Pathology and Laboratory Medicine, Sinai Health System
Classification: Likely benign for Leprechaunism syndrome; Rabson-Mendenhall syndrome; Hyperinsulinism due to INSR deficiency. Last evaluated: 2022-10-19. Review status: criteria provided, single submitter. Criteria: ACMG Guidelines, 2015. Collection method: research. Allele origin: germline.

Genetic Services Laboratory, University of Chicago
Classification: Likely benign. Last evaluated: 2020-07-30. Review status: criteria provided, single submitter. Criteria: ACMG Guidelines, 2015. Collection method: clinical testing. Allele origin: germline. Affected: no.

Illumina Laboratory Services, Illumina
Classification: Uncertain significance for Insulin-resistant diabetes mellitus AND acanthosis nigricans. Last evaluated: 2018-01-13. Review status: criteria provided, single submitter. Criteria: ICSL Variant Classification Criteria 13 December 2019. Collection method: clinical testing. Allele origin: germline.

Illumina Laboratory Services, Illumina
Classification: Uncertain significance for Rabson-Mendenhall syndrome. Last evaluated: 2018-01-13. Review status: criteria provided, single submitter. Criteria: ICSL Variant Classification Criteria 13 December 2019. Collection method: clinical testing. Allele origin: germline.

Illumina Laboratory Services, Illumina
Classification: Uncertain significance for Leprechaunism syndrome. Last evaluated: 2018-01-13. Review status: criteria provided, single submitter. Criteria: ICSL Variant Classification Criteria 13 December 2019. Collection method: clinical testing. Allele origin: germline.

Eurofins Ntd Llc (ga)
Classification: Uncertain significance. Last evaluated: 2016-02-11. Review status: criteria provided, single submitter. Criteria: EGL Classification Definitions 2015. Collection method: clinical testing. Allele origin: germline. Observed: 1 variant allele, 1 heterozygote.

Personalized Diabetes Medicine Program, University of Maryland School of Medicine
Classification: Likely benign for Monogenic diabetes. Last evaluated: 2015-07-31. Review status: criteria provided, single submitter. Criteria: ACMG Guidelines, 2015. Collection method: research. Allele origin: unknown. Observed: 1 variant allele, 1 heterozygote.
Comment: ACMG Criteria: BS2, BP4

PreventionGenetics, part of Exact Sciences
Classification: Likely benign for INSR-related condition. Last evaluated: 2022-04-29. Review status: no assertion criteria provided. Collection method: clinical testing. Allele origin: germline. Not counted in ClinVar's aggregate classification.
Comment: This variant is classified as likely benign based on ACMG/AMP sequence variant interpretation guidelines (Richards et al. 2015 PMID: 25741868, with internal and published modifications).